The following is an entry in ClinVar:

NM_024675.4(PALB2):c.1687A>G (p.Lys563Glu)

Gene: PALB2 (partner and localizer of BRCA2; minus strand). Cytogenetic location: 16p12.2.
Variant type: single nucleotide variant.
Coding change: c.1687A>G on transcript NM_024675.4 (MANE Select); coding-DNA position 1687, A replaced by G.
Protein change: p.Lys563Glu; replaces lysine 563 with glutamic acid.
Molecular consequence: missense variant.
Genome position (GRCh38, 1-based): chr16:23,630,467, T>C on the plus strand (A>G on the coding strand, the complement: PALB2 is on the minus strand). VCF-style: chr16-23630467-T-C. GRCh37 (hg19) VCF-style: chr16-23641788-T-C.
Other names: c.1687A>G, p.Lys563Glu (NM_001407297.1, NM_001407298.1, NM_001407299.1 and 3 more transcripts); c.1627A>G, p.Lys543Glu (NM_001407296.1); c.802A>G, p.Lys268Glu (NM_001407304.1, NM_001407305.1, NM_001407306.1 and 5 more transcripts); c.-102A>G (NM_001407312.1, NM_001407313.1); short protein forms K543E, K268E, K563E.
Identifiers: ClinVar variation 1778035 (VCV001778035.8), dbSNP rs2142391353, ClinGen allele CA395128487.

ClinVar aggregate classification (germline): Uncertain significance. Review status: criteria provided, multiple submitters, no conflicts (2 of 4 stars). 3 submissions from 3 submitters: Uncertain significance (3). Last evaluated 2024-06-05.

Conditions:
Breast-ovarian cancer, familial, susceptibility to, 5 (BROVCA5). Identifiers: MedGen C5830615, MONDO:0957530, OMIM 620442.
Pancreatic cancer, susceptibility to, 3. Identifiers: Orphanet 1333, MedGen C3150547, MONDO:0013236, OMIM 613348.
Fanconi anemia complementation group N. Also called: PALB2-Related Fanconi Anemia. Identifiers: Orphanet 84, MedGen C1835817, MONDO:0012565, OMIM 610832. Disease mechanism: loss of function.
Familial cancer of breast. Also called: BREAST CANCER, FAMILIAL; Hereditary breast cancer; hereditary breast carcinoma. Identifiers: Orphanet 227535, MedGen C0346153, MONDO:0016419, OMIM 114480. Disease mechanism: loss of function.
Hereditary cancer-predisposing syndrome. Also called: Tumor predisposition; Neoplastic Syndromes, Hereditary; Hereditary Cancer Syndrome; Hereditary neoplastic syndrome. Identifiers: Orphanet 140162, MedGen C0027672, MeSH D009386, MONDO:0015356.

Submissions (3):

Fulgent Genetics
Classification: Uncertain significance for Fanconi anemia complementation group N; Pancreatic cancer, susceptibility to, 3; Breast-ovarian cancer, familial, susceptibility to, 5. Last evaluated: 2024-06-05. Review status: criteria provided, single submitter. Criteria: ACMG Guidelines, 2015. Collection method: clinical testing. Allele origin: germline.

Labcorp Genetics (formerly Invitae), Labcorp
Classification: Uncertain significance for Familial cancer of breast. Last evaluated: 2022-04-28. Review status: criteria provided, single submitter. Criteria: Invitae Variant Classification Sherloc (09022015). Collection method: clinical testing. Allele origin: germline.
Comment: This sequence change replaces lysine, which is basic and polar, with glutamic acid, which is acidic and polar, at codon 563 of the PALB2 protein (p.Lys563Glu). This variant is not present in population databases (gnomAD no frequency). In summary, the available evidence is currently insufficient to determine the role of this variant in disease. Therefore, it has been classified as a Variant of Uncertain Significance. Algorithms developed to predict the effect of missense changes on protein structure and function output the following: SIFT: "Tolerated"; PolyPhen-2: "Benign"; Align-GVGD: "Class C0". The glutamic acid amino acid residue is found in multiple mammalian species, which suggests that this missense change does not adversely affect protein function. This variant has not been reported in the literature in individuals affected with PALB2-related conditions.

Ambry Genetics
Classification: Uncertain significance for Hereditary cancer-predisposing syndrome. Last evaluated: 2015-11-04. Review status: criteria provided, single submitter. Criteria: Ambry Variant Classification Scheme 2023. Collection method: clinical testing. Allele origin: germline.
Comment: The p.K563E variant (also known as c.1687A>G), located in coding exon 5 of the PALB2 gene, results from an A to G substitution at nucleotide position 1687. The lysine at codon 563 is replaced by glutamic acid, an amino acid with similar properties. This alteration has been identified in a cohort of 3236 ovarian cancer patients, but was also observed in 1 of 3431 controls (Ramus SJ, J. et al. Natl. Cancer Inst. 2015 Nov; 107(11)). This variant was not reported in population based cohorts in the following databases: Database of Single Nucleotide Polymorphisms (dbSNP), NHLBI Exome Sequencing Project (ESP), and 1000 Genomes Project. In the ESP, this variant was not observed in 6497 samples (12994 alleles) with coverage at this position. To date, this alteration has been detected with an allele frequency of approximately 0.001% (greater than 130000 alleles tested) in our clinical cohort. Based on protein sequence alignment, this amino acid position is highly conserved in available vertebrate species. In addition, this alteration is predicted to be tolerated by in silico analysis. Since supporting evidence is limited at this time, the clinical significance of p.K563E remains unclear.

Literature cited by the submitters: PubMed 26315354 (cited by Ambry Genetics).